The following is an entry in ClinVar:

NM_004369.4(COL6A3):c.6418G>A (p.Gly2140Arg)

Gene: COL6A3 (collagen type VI alpha 3 chain; minus strand). Cytogenetic location: 2q37.3.
Variant type: single nucleotide variant.
Coding change: c.6418G>A on transcript NM_004369.4 (MANE Select); coding-DNA position 6418, G replaced by A.
Protein change: p.Gly2140Arg; replaces glycine 2140 with arginine.
Molecular consequence: missense variant.
Genome position (GRCh38, 1-based): chr2:237,358,574, C>T on the plus strand (G>A on the coding strand, the complement: COL6A3 is on the minus strand). VCF-style: chr2-237358574-C-T. GRCh37 (hg19) VCF-style: chr2-238267217-C-T.
Other names: c.4597G>A, p.Gly1533Arg (NM_057166.5); c.5800G>A, p.Gly1934Arg (NM_057167.4); short protein forms G2140R, G1934R, G1533R.
Identifiers: ClinVar variation 872657 (VCV000872657.41), dbSNP rs372697731, ClinGen allele CA2188291.
Genomic context (GRCh38, chr2:237,358,574, plus strand): 5'-TCTTTACCGGGTCCCCTCGAATCCCAACATCTCCTCTTTCTCCTTTCTCTCCTCGAGGTC[C>T]TTTATCACCCTAAAGAAAAAGCACAAGTGGATGCTAAAAACTAGATGTTTCCATTTTTAT-3'
Protein context (NP_004360.2, residues 2130-2150): KGNPGRRGDK[Gly2140Arg]PRGEKGERGD

ClinVar aggregate classification (germline): Uncertain significance (1 of 4 stars; one submission).

Allele frequency attached by ClinVar (database versions not stated): gnomAD exomes below 0.00001; TOPMed below 0.00001; ExAC 0.00001; ESP Exome Variant Server 0.00008.
gnomAD v4.1: 1 of 1,613,824 alleles (0.000062%); highest among the groups gnomAD compares: Non-Finnish European, 0.000085%; no homozygotes.

Submission:

CeGaT Center for Human Genetics Tuebingen
Classification: Uncertain significance. Last evaluated: 2024-11-01. Review status: criteria provided, single submitter. Criteria: CeGaT Center For Human Genetics Tuebingen Variant Classification Criteria Version 2. Collection method: clinical testing. Allele origin: germline. Affected: yes. Observed: 3 variant alleles.
Comment: COL6A3: PM1, PM2